The following is an entry in ClinVar:

ClinVar aggregate classification (germline): Likely pathogenic (1 of 4 stars; one submission).

Conditions:
Epilepsy, familial focal, with variable foci 1 (FFEVF1). Also called: DEPDC5-Related Epilepsy. Identifiers: MedGen C4551983, MONDO:0024556, OMIM 604364.

Submission:

Neuberg Centre For Genomic Medicine, NCGM
Classification: Likely pathogenic for Epilepsy, familial focal, with variable foci 1. Last evaluated: 2023-02-14. Review status: criteria provided, single submitter. Criteria: ACMG Guidelines, 2015. Collection method: clinical testing. Allele origin: germline. Inheritance: Autosomal dominant inheritance. Affected: yes.
Comment: The frameshift c.88_89insA(p.Phe30TyrfsTer18) variant has not been reported previously as a pathogenic variant nor as a benign variant, to our knowledge. The p.Phe30TyrfsTer18 variant is novel (not in any individuals) in both gnomAD Exomes and 1000 Genomes databases. This variant has not been reported to the ClinVar database. This variant causes a frameshift starting with codon Phenylalanine 30, changes this amino acid to Tyrosine residue, and creates a premature Stop codon at position 18 of the new reading frame, denoted p.Phe30TyrfsTer18. This variant is predicted to cause loss of normal protein function through protein truncation. Loss of function variants have been previously reported to be disease causing. For these reasons, this variant has been classified as Likely Pathogenic.

NM_001242896.3(DEPDC5):c.88_89insA (p.Phe30fs)

Gene: DEPDC5 (DEP domain containing 5, GATOR1 subcomplex subunit; plus strand). Cytogenetic location: 22q12.2.
Variant type: Insertion.
Coding change: c.88_89insA on transcript NM_001242896.3 (MANE Select); coding-DNA positions 88 to 89, A inserted.
Protein change: p.Phe30fs; shifts the reading frame from phenylalanine 30.
Molecular consequence: frameshift variant. On other transcripts: non-coding transcript variant (5).
Genome position: GRCh38 VCF-style: chr22-31758575-T-TA. GRCh37 (hg19) VCF-style: chr22-32154561-T-TA.
Other names: c.88_89insA, p.Phe30fs (NM_001007188.4, NM_001136029.4, NM_001242897.2 and 9 more transcripts); short protein forms F30fs.
Identifiers: ClinVar variation 2671635 (VCV002671635.1), dbSNP rs2517738978, ClinGen allele CA2695200111.